The following is an entry in ClinVar:

ClinVar aggregate classification (germline): Uncertain significance (1 of 4 stars; one submission).

Conditions:
PLXNA1-related disorder. Also called: PLXNA1-related condition.

Submission:

PreventionGenetics, part of Exact Sciences
Classification: Uncertain significance for PLXNA1-related condition. Last evaluated: 2025-06-18. Review status: criteria provided, single submitter. Criteria: ACMG Guidelines, 2015. Collection method: clinical testing. Allele origin: germline.
Comment: The PLXNA1 c.5260A>G variant is predicted to result in the amino acid substitution p.Ile1754Val. To our knowledge, this variant has not been reported in the literature or in a large population database (gnomAD), indicating this variant is rare. At this time, the clinical significance of this variant is uncertain due to the absence of conclusive functional and genetic evidence.

NM_032242.4(PLXNA1):c.5260A>G (p.Ile1754Val)

Gene: PLXNA1 (plexin A1; plus strand). Cytogenetic location: 3q21.3.
Variant type: single nucleotide variant.
Coding change: c.5260A>G on transcript NM_032242.4 (MANE Select); coding-DNA position 5260, A replaced by G.
Protein change: p.Ile1754Val; replaces isoleucine 1754 with valine.
Molecular consequence: missense variant.
Genome position (GRCh38, 1-based): chr3:127,032,415, A>G. VCF-style: chr3-127032415-A-G. GRCh37 (hg19) VCF-style: chr3-126751258-A-G.
Other names: short protein forms I1754V.
Identifiers: ClinVar variation 4999116 (VCV004999116.1).